The following is an entry in ClinVar:

ClinVar aggregate classification (germline): Uncertain significance (1 of 4 stars; one submission).

Conditions:
Parkinsonism-dystonia, infantile. Identifiers: Orphanet 238455, MedGen C2751067, MONDO:0013150.

Allele frequency attached by ClinVar (database versions not stated): TOPMed below 0.00001.
gnomAD v4.1: 5 of 1,547,042 alleles (0.00032%); highest among the groups gnomAD compares: Non-Finnish European, 0.00044%; no homozygotes.

Submission:

Labcorp Genetics (formerly Invitae), Labcorp
Classification: Uncertain significance for Parkinsonism-dystonia, infantile. Last evaluated: 2022-06-27. Review status: criteria provided, single submitter. Criteria: Invitae Variant Classification Sherloc (09022015). Collection method: clinical testing. Allele origin: germline.
Comment: In summary, the available evidence is currently insufficient to determine the role of this variant in disease. Therefore, it has been classified as a Variant of Uncertain Significance. Algorithms developed to predict the effect of missense changes on protein structure and function are either unavailable or do not agree on the potential impact of this missense change (SIFT: "Deleterious"; PolyPhen-2: "Possibly Damaging"; Align-GVGD: "Class C0"). ClinVar contains an entry for this variant (Variation ID: 853713). This variant has not been reported in the literature in individuals affected with SLC6A3-related conditions. This variant is not present in population databases (gnomAD no frequency). This sequence change replaces alanine, which is neutral and non-polar, with threonine, which is neutral and polar, at codon 423 of the SLC6A3 protein (p.Ala423Thr).

NM_001044.5(SLC6A3):c.1267G>A (p.Ala423Thr)

Gene: SLC6A3 (solute carrier family 6 member 3). Cytogenetic location: 5p15.33.
Variant type: single nucleotide variant.
Coding change: c.1267G>A on transcript NM_001044.5 (MANE Select); coding-DNA position 1267, G replaced by A.
Protein change: p.Ala423Thr; replaces alanine 423 with threonine.
Molecular consequence: missense variant.
Genome position (GRCh38, 1-based): chr5:1,411,245, C>T on the plus strand (G>A on the coding strand, the complement: SLC6A3 is on the minus strand). VCF-style: chr5-1411245-C-T. GRCh37 (hg19) VCF-style: chr5-1411360-C-T.
Other names: short protein forms A423T.
Identifiers: ClinVar variation 853713 (VCV000853713.8), dbSNP rs1170256759, ClinGen allele CA359080395.